The following is an entry in ClinVar:

NM_005445.4(SMC3):c.1410-11_1410-6del

Gene: SMC3 (structural maintenance of chromosomes 3; plus strand). Cytogenetic location: 10q25.2.
Variant type: Deletion.
Coding change: c.1410-11_1410-6del on transcript NM_005445.4 (MANE Select); 11 bases into the intron before coding-DNA position 1410 through 6 bases into the intron before coding-DNA position 1410, 6 bases deleted (TTATTT; older notation c.1410-11_1410-6delTTATTT).
Molecular consequence: intron variant.
Genome position (GRCh38, 1-based): chr10:110,589,881-110,589,886, TTATTT deleted; deleting any 6 consecutive bases within chr10:110,589,878-110,589,886 gives the same sequence; the c. name uses the placement nearest the transcript's 3' end. VCF-style (leftmost placement, unchanged base first): chr10-110589877-CTTTTTA-C. GRCh37 (hg19) VCF-style: chr10-112349635-CTTTTTA-C.
Identifiers: ClinVar variation 2859080 (VCV002859080.3), dbSNP rs2493126252, ClinGen allele CA2610889302.
Genomic context (GRCh38, chr10:110,589,877, plus strand): 5'-GATTCTAAACTGTATACTGTTAATGCATCCTCATATGTGTTTAAAATTAAAGACAGTCTA[CTTTTTA>C]TTTATTAGCTACTTGTGGAGAGAAGAGAATGCAGAACAGCAAGCACTTGCTGCTAAAAGA-3'

ClinVar aggregate classification (germline): Uncertain significance (1 of 4 stars; one submission).

Conditions:
Cornelia de Lange syndrome 3 (CDLS3). Also called: SMC3-Related Cornelia de Lange Syndrome; CORNELIA DE LANGE SYNDROME 3 WITH OR WITHOUT MIDLINE BRAIN DEFECTS. Identifiers: Orphanet 199, MedGen C1853099, MONDO:0012555, OMIM 610759.

Submission:

Labcorp Genetics (formerly Invitae), Labcorp
Classification: Uncertain significance for Cornelia de Lange syndrome 3. Last evaluated: 2023-04-25. Review status: criteria provided, single submitter. Criteria: Invitae Variant Classification Sherloc (09022015). Collection method: clinical testing. Allele origin: germline.
Comment: In summary, the available evidence is currently insufficient to determine the role of this variant in disease. Therefore, it has been classified as a Variant of Uncertain Significance. Algorithms developed to predict the effect of sequence changes on RNA splicing suggest that this variant may create or strengthen a splice site. This variant has not been reported in the literature in individuals affected with SMC3-related conditions. This variant is not present in population databases (gnomAD no frequency). This sequence change falls in intron 14 of the SMC3 gene. It does not directly change the encoded amino acid sequence of the SMC3 protein.